The following is an entry in ClinVar:

ClinVar aggregate classification (germline): Benign. Review status: criteria provided, multiple submitters, no conflicts (2 of 4 stars). 2 submissions from 2 submitters: Benign (2). Last evaluated 2016-03-28.

Allele frequency attached by ClinVar (database versions not stated): gnomAD exomes 0.66523 and 0.68810; gnomAD 0.68282 and 0.68775; ExAC 0.68768; ESP Exome Variant Server 0.69376; TOPMed 0.69700; 1000 Genomes Project 0.73203; 1000 Genomes Project 30x 0.73485.

Submissions (2):

Laboratory for Molecular Medicine, Mass General Brigham Personalized Medicine
Classification: Benign. Last evaluated: 2016-03-28. Review status: criteria provided, single submitter. Criteria: LMM Criteria. Collection method: clinical testing. Allele origin: germline.
Comment: Variant identified in a genome or exome case(s) and assessed due to predicted null impact of the variant or pathogenic assertions in the literature or databases. Disclaimer: This variant has not undergone full assessment. The following are preliminary notes: Frequency

Breakthrough Genomics
Classification: Benign. Review status: criteria provided, single submitter. Criteria: ACMG Guidelines, 2015. Collection method: not provided. Allele origin: germline. Inheritance: Unknown mechanism. Affected: yes.

NM_005658.5(TRAF1):c.1020C>T (p.Pro340=)

Gene: TRAF1 (TNF receptor associated factor 1; minus strand). Cytogenetic location: 9q33.2.
Variant type: single nucleotide variant.
Coding change: c.1020C>T on transcript NM_005658.5 (MANE Select); coding-DNA position 1020, C replaced by T.
Protein change: p.Pro340=; no amino-acid change (proline 340 retained).
Molecular consequence: synonymous variant.
Genome position (GRCh38, 1-based): chr9:120,909,242, G>A on the plus strand (C>T on the coding strand, the complement: TRAF1 is on the minus strand). VCF-style: chr9-120909242-G-A. GRCh37 (hg19) VCF-style: chr9-123671520-G-A.
Other names: c.1020C>T, p.Pro340= (NM_001190945.2); c.654C>T, p.Pro218= (NM_001190947.2).
Identifiers: ClinVar variation 403564 (VCV000403564.5), dbSNP rs2239657, ClinGen allele CA5216698.
Genomic context (GRCh38, chr9:120,909,242, plus strand): 5'-CAGGCTTCCATGCTCCCCACCTTACCCCCATCACCTTCACACCCATACCTTGTTCCGGAA[G>A]GGCCACGGCAGCAGCGCATCATACTCCCCTCTCATGATCACGATGAAGAGCGACAGATGG-3'
Protein context (NP_005649.1, residues 330-350): RGEYDALLPW[Pro340=]FRNKVTFMLL